The following is an entry in ClinVar:

NM_001999.4(FBN2):c.1961G>A (p.Arg654His)

Gene: FBN2 (fibrillin 2; minus strand). Cytogenetic location: 5q23.3.
Variant type: single nucleotide variant.
Coding change: c.1961G>A on transcript NM_001999.4 (MANE Select); coding-DNA position 1961, G replaced by A.
Protein change: p.Arg654His; replaces arginine 654 with histidine.
Molecular consequence: missense variant.
Genome position (GRCh38, 1-based): chr5:128,376,742, C>T on the plus strand (G>A on the coding strand, the complement: FBN2 is on the minus strand). VCF-style: chr5-128376742-C-T. GRCh37 (hg19) VCF-style: chr5-127712435-C-T.
Other names: short protein forms R654H.
Identifiers: ClinVar variation 222626 (VCV000222626.15), dbSNP rs780589159, ClinGen allele CA077357.
Genomic context (GRCh38, chr5:128,376,742, plus strand): 5'-AAAGGTGGTTTCAATCATGGTCACTTTCCTATCTGAAAGCCACACATACCAGTACAGTAA[C>T]GCCCATTTGGAGCCAAGACAAATCCTGGTTTGCAGATGCACTTGAAGCTGCCATCTTCAT-3'
Protein context (NP_001990.2, residues 644-664): KPGFVLAPNG[Arg654His]YCTDVDECQT

ClinVar aggregate classification (germline): Conflicting classifications of pathogenicity. Review status: criteria provided, conflicting classifications (1 of 4 stars). 4 submissions from 4 submitters: Uncertain significance (3); Likely benign (1). Last evaluated 2024-10-29.

Conditions:
Congenital contractural arachnodactyly (CCA). Also called: BEALS SYNDROME; Beals-Hecht syndrome; Arthrogryposis, distal, type 9. Identifiers: Orphanet 115, MedGen C0220668, MONDO:0007363, OMIM 121050.

Allele frequency attached by ClinVar (database versions not stated): gnomAD exomes 0.00001 and 0.00002; ExAC 0.00002.

Submissions (4):

Labcorp Genetics (formerly Invitae), Labcorp
Classification: Likely benign for Congenital contractural arachnodactyly. Last evaluated: 2024-10-29. Review status: criteria provided, single submitter. Criteria: Invitae Variant Classification Sherloc (09022015). Collection method: clinical testing. Allele origin: germline.

Blueprint Genetics
Classification: Uncertain significance. Last evaluated: 2024-10-03. Review status: criteria provided, single submitter. Criteria: ACMG Guidelines, 2015. Collection method: clinical testing. Allele origin: germline.

GeneDx
Classification: Uncertain significance. Last evaluated: 2019-10-24. Review status: criteria provided, single submitter. Criteria: GeneDx Variant Classification Process June 2021. Collection method: clinical testing. Allele origin: germline. Affected: yes.
Comment: Has not been previously published as pathogenic or benign to our knowledge; Reported in ClinVar as a variant of uncertain significance (ClinVar Variant ID# 222626; Landrum et al., 2016); Not observed at a significant frequency in large population cohorts (Lek et al., 2016); In silico analysis, which includes protein predictors and evolutionary conservation, supports a deleterious effect

Illumina Laboratory Services, Illumina
Classification: Uncertain significance for Congenital contractural arachnodactyly. Last evaluated: 2018-01-13. Review status: criteria provided, single submitter. Criteria: ICSL Variant Classification Criteria 13 December 2019. Collection method: clinical testing. Allele origin: germline.